The following is an entry in ClinVar:

ClinVar aggregate classification (germline): Uncertain significance (1 of 4 stars; one submission).

Conditions:
Muscular dystrophy-dystroglycanopathy type B6 (MDDGB6). Also called: MUSCULAR DYSTROPHY-DYSTROGLYCANOPATHY (CONGENITAL WITH IMPAIRED INTELLECTUAL DEVELOPMENT), TYPE B, 6; MUSCULAR DYSTROPHY, CONGENITAL, LARGE-RELATED; MUSCULAR DYSTROPHY, CONGENITAL, TYPE 1D. Identifiers: MedGen C1837229, MONDO:0012138, OMIM 608840.

Submission:

Labcorp Genetics (formerly Invitae), Labcorp
Classification: Uncertain significance for Muscular dystrophy-dystroglycanopathy type B6. Last evaluated: 2021-11-10. Review status: criteria provided, single submitter. Criteria: Invitae Variant Classification Sherloc (09022015). Collection method: clinical testing. Allele origin: germline.
Comment: This sequence change replaces arginine, which is basic and polar, with lysine, which is basic and polar, at codon 308 of the LARGE1 protein (p.Arg308Lys). This variant is present in population databases (no rsID available, gnomAD 0.2%). This variant has not been reported in the literature in individuals affected with LARGE1-related conditions. Algorithms developed to predict the effect of missense changes on protein structure and function are either unavailable or do not agree on the potential impact of this missense change (SIFT: "Not Available"; PolyPhen-2: "Possibly Damaging"; Align-GVGD: "Not Available"). In summary, the available evidence is currently insufficient to determine the role of this variant in disease. Therefore, it has been classified as a Variant of Uncertain Significance.

NM_133642.5(LARGE1):c.922_923delinsAA (p.Arg308Lys)

Gene: LARGE1 (LARGE xylosyl- and glucuronyltransferase 1; minus strand). Cytogenetic location: 22q12.3.
Variant type: Indel.
Coding change: c.922_923delinsAA on transcript NM_133642.5 (MANE Select); coding-DNA positions 922 to 923, CG replaced by AA.
Protein change: p.Arg308Lys; replaces arginine 308 with lysine.
Molecular consequence: missense variant.
Genome position (GRCh38, 1-based): chr22:33,384,274-33,384,275, CG replaced by TT on the plus strand (CG replaced by AA on the coding strand, the reverse complement: LARGE1 is on the minus strand). VCF-style: chr22-33384274-CG-TT. GRCh37 (hg19) VCF-style: chr22-33780260-CG-TT.
Other names: c.922_923delinsAA, p.Arg308Lys (NM_001362949.2, NM_001362951.2, NM_001362953.2 and 7 more transcripts); c.319_320delinsAA, p.Arg107Lys (NM_001378630.1, NM_001378631.1); short protein forms R107K, R308K.
Identifiers: ClinVar variation 1354997 (VCV001354997.3), dbSNP rs2147135450, ClinGen allele CA2573158167.